The following is an entry in ClinVar:

ClinVar aggregate classification (germline): Uncertain significance (1 of 4 stars; one submission).

Conditions:
Inborn genetic diseases. Identifiers: MedGen C0950123, MeSH D030342.

gnomAD v4.1: 1 of 1,613,512 alleles (0.000062%); highest among the groups gnomAD compares: East Asian, 0.0022%; no homozygotes.

Submission:

Ambry Genetics
Classification: Uncertain significance for Inborn genetic diseases. Last evaluated: 2025-09-17. Review status: criteria provided, single submitter. Criteria: Ambry Variant Classification Scheme 2023. Collection method: clinical testing. Allele origin: germline.
Comment: The p.H1110Y variant (also known as c.3328C>T), located in coding exon 15 of the MECOM gene, results from a C to T substitution at nucleotide position 3328. The histidine at codon 1110 is replaced by tyrosine, an amino acid with similar properties. This amino acid position is conserved. In addition, this alteration is predicted to be tolerated by in silico analysis. Based on the available evidence, the clinical significance of this variant remains unclear.

NM_004991.4(MECOM):c.3328C>T (p.His1110Tyr)

Gene: MECOM (MDS1 and EVI1 complex locus; minus strand). Cytogenetic location: 3q26.2.
Variant type: single nucleotide variant.
Coding change: c.3328C>T on transcript NM_004991.4 (MANE Select); coding-DNA position 3328, C replaced by T.
Protein change: p.His1110Tyr; replaces histidine 1110 with tyrosine.
Molecular consequence: missense variant.
Genome position (GRCh38, 1-based): chr3:169,090,073, G>A on the plus strand (C>T on the coding strand, the complement: MECOM is on the minus strand). VCF-style: chr3-169090073-G-A. GRCh37 (hg19) VCF-style: chr3-168807861-G-A.
Other names: c.2959C>T, p.His987Tyr (NM_001105077.4); c.2764C>T, p.His922Tyr (NM_001105078.4, NM_001205194.2, NM_001366469.2 and 1 more transcripts); c.2740C>T, p.His914Tyr (NM_001163999.2, NM_001366470.2); c.2737C>T, p.His913Tyr (NM_001164000.2, NM_001366471.2, NM_001366472.2); c.3301C>T, p.His1101Tyr (NM_001366466.2); c.2767C>T, p.His923Tyr (NM_001366467.2, NM_001366468.2); c.2329C>T, p.His777Tyr (NM_001366473.2); c.1765C>T, p.His589Tyr (NM_001366474.2); short protein forms H1101Y, H914Y, H589Y, H777Y, H913Y, H987Y, H1110Y, H922Y.
Identifiers: ClinVar variation 4624582 (VCV004624582.1).